The following is an entry in ClinVar:

NM_198576.4(AGRN):c.2522G>A (p.Arg841Gln)

Gene: AGRN (agrin; plus strand). Cytogenetic location: 1p36.33.
Variant type: single nucleotide variant.
Coding change: c.2522G>A on transcript NM_198576.4 (MANE Select); coding-DNA position 2522, G replaced by A.
Protein change: p.Arg841Gln; replaces arginine 841 with glutamine.
Molecular consequence: missense variant.
Genome position (GRCh38, 1-based): chr1:1,045,509, G>A. VCF-style: chr1-1045509-G-A. GRCh37 (hg19) VCF-style: chr1-980889-G-A.
Other names: c.2522G>A, p.Arg841Gln (NM_001305275.2); c.2207G>A, p.Arg736Gln (NM_001364727.2); short protein forms R736Q, R841Q.
Identifiers: ClinVar variation 934115 (VCV000934115.10), dbSNP rs756103278, ClinGen allele CA508657.

ClinVar aggregate classification (germline): Uncertain significance. Review status: criteria provided, multiple submitters, no conflicts (2 of 4 stars). 2 submissions from 2 submitters: Uncertain significance (2). Last evaluated 2022-08-16.

Conditions:
Congenital myasthenic syndrome 8. Also called: MYASTHENIC SYNDROME, CONGENITAL, DUE TO AGRIN DEFICIENCY; Myasthenic syndrome, congenital, 8, with pre- and postsynaptic defects. Identifiers: Orphanet 590, MedGen C3808739, MONDO:0014052, OMIM 615120.

Allele frequency attached by ClinVar (database versions not stated): gnomAD 0.00001; gnomAD exomes 0.00001 and 0.00002; TOPMed 0.00001; ExAC 0.00003.
gnomAD v4.1: 38 of 1,612,814 alleles (0.0024%); highest among the groups gnomAD compares: Admixed American, 0.0033%; no homozygotes.

Submissions (2):

Labcorp Genetics (formerly Invitae), Labcorp
Classification: Uncertain significance for Congenital myasthenic syndrome 8. Last evaluated: 2022-08-16. Review status: criteria provided, single submitter. Criteria: Invitae Variant Classification Sherloc (09022015). Collection method: clinical testing. Allele origin: germline.
Comment: This sequence change replaces arginine, which is basic and polar, with glutamine, which is neutral and polar, at codon 841 of the AGRN protein (p.Arg841Gln). This variant is present in population databases (rs756103278, gnomAD 0.003%). In summary, the available evidence is currently insufficient to determine the role of this variant in disease. Therefore, it has been classified as a Variant of Uncertain Significance. Algorithms developed to predict the effect of missense changes on protein structure and function are either unavailable or do not agree on the potential impact of this missense change (SIFT: "Tolerated"; PolyPhen-2: "Possibly Damaging"; Align-GVGD: "Class C0"). ClinVar contains an entry for this variant (Variation ID: 934115). This variant has not been reported in the literature in individuals affected with AGRN-related conditions.

GeneDx
Classification: Uncertain significance. Last evaluated: 2022-05-27. Review status: criteria provided, single submitter. Criteria: GeneDx Variant Classification Process June 2021. Collection method: clinical testing. Allele origin: germline. Affected: yes.
Comment: Not observed at significant frequency in large population cohorts (gnomAD); In silico analysis supports that this missense variant does not alter protein structure/function; Has not been previously published as pathogenic or benign to our knowledge